The following is an entry in ClinVar:

NM_002156.5(HSPD1):c.-20C>G

Genes: HSPD1 (heat shock protein family D (Hsp60) member 1; minus strand), LOC129935358 (ATAC-STARR-seq lymphoblastoid silent region 12213; plus strand). Cytogenetic location: 2q33.1.
Variant type: single nucleotide variant.
Coding change: c.-20C>G on transcript NM_002156.5 (MANE Select); 20 bases upstream of the start codon, C replaced by G.
Molecular consequence: 5 prime UTR variant. On other transcripts: intron variant (1).
Genome position (GRCh38, 1-based): chr2:197,499,799, G>C on the plus strand (C>G on the coding strand, the complement: HSPD1 is on the minus strand). VCF-style: chr2-197499799-G-C. GRCh37 (hg19) VCF-style: chr2-198364523-G-C.
Other names: c.-3+361C>G (NM_199440.2).
Identifiers: ClinVar variation 896049 (VCV000896049.4), dbSNP rs563816458, ClinGen allele CA62860701.

ClinVar aggregate classification (germline): Benign (1 of 4 stars; one submission).

Conditions:
Hereditary spastic paraplegia 13 (SPG13). Also called: SPASTIC PARAPLEGIA 13, AUTOSOMAL DOMINANT; Spastic paraplegia 13. Identifiers: Orphanet 100994, MedGen C1854467, MONDO:0011532, OMIM 605280.

Allele frequency attached by ClinVar (database versions not stated): TOPMed 0.00014; 1000 Genomes Project 30x 0.00078; 1000 Genomes Project 0.00080.

Submission:

Illumina Laboratory Services, Illumina
Classification: Benign for Hereditary spastic paraplegia 13. Last evaluated: 2017-11-16. Review status: criteria provided, single submitter. Criteria: ICSL Variant Classification Criteria 13 December 2019. Collection method: clinical testing. Allele origin: germline.
Comment: This variant was observed as part of a predisposition screen in an ostensibly healthy population. A literature search was performed for the gene, cDNA change, and amino acid change (where applicable). No publications were found based on this search. Allele frequency data from public databases was too high to be consistent with this variant causing disease. Therefore, this variant is classified as benign.